The following is an entry in ClinVar:

NM_005739.4(RASGRP1):c.675G>A (p.Ser225=)

Gene: RASGRP1 (RAS guanyl releasing protein 1; minus strand). Cytogenetic location: 15q14.
Variant type: single nucleotide variant.
Coding change: c.675G>A on transcript NM_005739.4 (MANE Select); coding-DNA position 675, G replaced by A.
Protein change: p.Ser225=; no amino-acid change (serine 225 retained).
Molecular consequence: synonymous variant.
Genome position (GRCh38, 1-based): chr15:38,516,197, C>T on the plus strand (G>A on the coding strand, the complement: RASGRP1 is on the minus strand). VCF-style: chr15-38516197-C-T. GRCh37 (hg19) VCF-style: chr15-38808398-C-T.
Other names: p.Ser225=; c.675G>A, p.Ser225= (NM_001128602.2, NM_001306086.2).
Identifiers: ClinVar variation 2061749 (VCV002061749.2), dbSNP rs371449065, ClinGen allele CA7471070.

ClinVar aggregate classification (germline): Uncertain significance. Review status: criteria provided, multiple submitters, no conflicts (2 of 4 stars). 2 submissions from 2 submitters: Uncertain significance (2). Last evaluated 2023-08-16.

Allele frequency attached by ClinVar (database versions not stated): gnomAD 0.00003; gnomAD exomes 0.00003; ExAC 0.00004; ESP Exome Variant Server 0.00008; TOPMed 0.00011.
gnomAD v4.1: 39 of 1,586,044 alleles (0.0025%); highest among the groups gnomAD compares: East Asian, 0.04%; no homozygotes.

Submissions (2):

Mayo Clinic Laboratories, Mayo Clinic
Classification: Uncertain significance. Last evaluated: 2023-08-16. Review status: criteria provided, single submitter. Criteria: ACMG Guidelines, 2015. Collection method: clinical testing. Allele origin: germline. Observed: 1 variant allele.

Labcorp Genetics (formerly Invitae), Labcorp
Classification: Uncertain significance. Last evaluated: 2022-10-17. Review status: criteria provided, single submitter. Criteria: Invitae Variant Classification Sherloc (09022015). Collection method: clinical testing. Allele origin: germline.
Comment: This sequence change affects codon 225 of the RASGRP1 mRNA. It is a 'silent' change, meaning that it does not change the encoded amino acid sequence of the RASGRP1 protein. This variant also falls at the last nucleotide of exon 6, which is part of the consensus splice site for this exon. This variant is present in population databases (rs371449065, gnomAD 0.07%). This variant has not been reported in the literature in individuals affected with RASGRP1-related conditions. Variants that disrupt the consensus splice site are a relatively common cause of aberrant splicing (PMID: 17576681, 9536098). Algorithms developed to predict the effect of sequence changes on RNA splicing suggest that this variant may create or strengthen a splice site. In summary, the available evidence is currently insufficient to determine the role of this variant in disease. Therefore, it has been classified as a Variant of Uncertain Significance.

Literature cited by the submitters: PubMed 17576681 (cited by Labcorp Genetics (formerly Invitae), Labcorp); PubMed 9536098 (cited by Labcorp Genetics (formerly Invitae), Labcorp).